The following is an entry in ClinVar:

NM_007103.4(NDUFV1):c.220G>A (p.Asp74Asn)

Gene: NDUFV1 (NADH:ubiquinone oxidoreductase core subunit V1; plus strand). Cytogenetic location: 11q13.2.
Variant type: single nucleotide variant.
Coding change: c.220G>A on transcript NM_007103.4 (MANE Select); coding-DNA position 220, G replaced by A.
Protein change: p.Asp74Asn; replaces aspartic acid 74 with asparagine.
Molecular consequence: missense variant.
Genome position (GRCh38, 1-based): chr11:67,608,616, G>A. VCF-style: chr11-67608616-G-A. GRCh37 (hg19) VCF-style: chr11-67376087-G-A.
Other names: p.D74N:GAC>AAC; c.193G>A, p.Asp65Asn (NM_001166102.2); short protein forms D74N, D65N.
Identifiers: ClinVar variation 214839 (VCV000214839.4), dbSNP rs780851340, ClinGen allele CA324196.

ClinVar aggregate classification (germline): Conflicting classifications of pathogenicity. Review status: criteria provided, conflicting classifications (1 of 4 stars). 3 submissions from 3 submitters: Uncertain significance (2); Likely benign (1). Last evaluated 2024-03-30.

Conditions:
Inborn genetic diseases. Identifiers: MedGen C0950123, MeSH D030342.

Allele frequency attached by ClinVar (database versions not stated): TOPMed 0.00003; ExAC 0.00004; gnomAD 0.00002; gnomAD exomes 0.00003.
gnomAD v4.1: 37 of 1,614,062 alleles (0.0023%); highest among the groups gnomAD compares: Middle Eastern, 0.016%; no homozygotes.

Submissions (3):

Ambry Genetics
Classification: Uncertain significance for Inborn genetic diseases. Last evaluated: 2024-03-30. Review status: criteria provided, single submitter. Criteria: Ambry Variant Classification Scheme 2023. Collection method: clinical testing. Allele origin: germline.

Labcorp Genetics (formerly Invitae), Labcorp
Classification: Uncertain significance. Last evaluated: 2023-12-07. Review status: criteria provided, single submitter. Criteria: Invitae Variant Classification Sherloc (09022015). Collection method: clinical testing. Allele origin: germline.
Comment: This sequence change replaces aspartic acid, which is acidic and polar, with asparagine, which is neutral and polar, at codon 74 of the NDUFV1 protein (p.Asp74Asn). This variant is present in population databases (rs780851340, gnomAD 0.01%). This variant has not been reported in the literature in individuals affected with NDUFV1-related conditions. ClinVar contains an entry for this variant (Variation ID: 214839). Advanced modeling of protein sequence and biophysical properties (such as structural, functional, and spatial information, amino acid conservation, physicochemical variation, residue mobility, and thermodynamic stability) performed at Invitae indicates that this missense variant is not expected to disrupt NDUFV1 protein function with a negative predictive value of 80%. In summary, the available evidence is currently insufficient to determine the role of this variant in disease. Therefore, it has been classified as a Variant of Uncertain Significance.

GeneDx
Classification: Likely benign. Last evaluated: 2012-09-13. Review status: criteria provided, single submitter. Criteria: GeneDx Variant Classification (06012015). Collection method: clinical testing. Allele origin: germline. Affected: yes.
Comment: This variant is considered likely benign or benign based on one or more of the following criteria: it is a conservative change, it occurs at a poorly conserved position in the protein, it is predicted to be benign by multiple in silico algorithms, and/or has population frequency not consistent with disease.